The following is an entry in ClinVar:

NM_004859.4(CLTC):c.2909T>C (p.Leu970Pro)

Gene: CLTC (clathrin heavy chain; plus strand). Cytogenetic location: 17q23.1.
Variant type: single nucleotide variant.
Coding change: c.2909T>C on transcript NM_004859.4 (MANE Select); coding-DNA position 2909, T replaced by C.
Protein change: p.Leu970Pro; replaces leucine 970 with proline.
Molecular consequence: missense variant.
Genome position (GRCh38, 1-based): chr17:59,679,509, T>C. VCF-style: chr17-59679509-T-C. GRCh37 (hg19) VCF-style: chr17-57756870-T-C.
Other names: c.2921T>C, p.Leu974Pro (NM_001288653.2); short protein forms L970P, L974P.
Identifiers: ClinVar variation 2441722 (VCV002441722.2), dbSNP rs2509147608, ClinGen allele CA400416545.
Genomic context (GRCh38, chr17:59,679,509, plus strand): 5'-GAAAGGATCCAGAATTGTGGGGCAGCGTGCTGCTGGAAAGCAATCCTTACAGGAGACCCC[T>C]AATTGACCAGGTAACATTGGCAAATGTGTTTATGGCTGTCAGTAAAAATTATACATTTTT-3'
Protein context (NP_004850.1, residues 960-980): LLESNPYRRP[Leu970Pro]IDQVVQTALS

ClinVar aggregate classification (germline): Uncertain significance. Review status: criteria provided, multiple submitters, no conflicts (2 of 4 stars). 2 submissions from 2 submitters: Uncertain significance (2). Last evaluated 2025-07-29.

Conditions:
Intellectual developmental disorder, autosomal dominant 56. Also called: MENTAL RETARDATION, AUTOSOMAL DOMINANT 56; Intellectual disability, autosomal dominant 56. Identifiers: MedGen C4693389, MONDO:0030922, OMIM 617854.

Submissions (2):

GeneDx
Classification: Uncertain significance. Last evaluated: 2025-07-29. Review status: criteria provided, single submitter. Criteria: GeneDx Variant Classification Process June 2021. Collection method: clinical testing. Allele origin: germline. Affected: yes.
Comment: Not observed at significant frequency in large population cohorts (gnomAD); In silico analysis supports that this missense variant has a deleterious effect on protein structure/function; Has not been previously published as pathogenic or benign to our knowledge

Baylor Genetics
Classification: Uncertain significance for Intellectual developmental disorder, autosomal dominant 56. Last evaluated: 2021-02-25. Review status: criteria provided, single submitter. Criteria: ACMG Guidelines, 2015. Collection method: clinical testing. Allele origin: unknown.